The following is an entry in ClinVar:

NM_001382273.1(TNK2):c.-18-6794C>A

Gene: TNK2 (tyrosine kinase non receptor 2; minus strand). Cytogenetic location: 3q29.
Variant type: single nucleotide variant.
Coding change: c.-18-6794C>A on transcript NM_001382273.1 (MANE Select); 6794 bases into the intron before 18 bases upstream of the start codon, C replaced by A.
Molecular consequence: intron variant.
Genome position (GRCh38, 1-based): chr3:195,895,400, G>T on the plus strand (C>A on the coding strand, the complement: TNK2 is on the minus strand). VCF-style: chr3-195895400-G-T. GRCh37 (hg19) VCF-style: chr3-195622271-G-T.
Other names: c.-18-6794C>A (NM_001387720.1, NM_005781.5, NM_001386164.1 and 1 more transcripts); c.-19+1767C>A (NM_001387714.1); c.-19+1343C>A (NM_001387711.1); c.-19+653C>A (NM_001387721.1, NM_001387710.1); c.-19+495C>A (NM_001387719.1, NM_001387713.1, NM_001387712.1 and 2 more transcripts); short protein forms P6H.
Identifiers: ClinVar variation 2868399 (VCV002868399.4), dbSNP rs1420178430, ClinGen allele CA355587027.

ClinVar aggregate classification (germline): Uncertain significance. Review status: criteria provided, multiple submitters, no conflicts (2 of 4 stars). 2 submissions from 2 submitters: Uncertain significance (2). Last evaluated 2024-12-18.

Allele frequency attached by ClinVar (database versions not stated): gnomAD 0.00001; TOPMed 0.00001.

Submissions (2):

Ambry Genetics
Classification: Uncertain significance. Last evaluated: 2024-12-18. Review status: criteria provided, single submitter. Criteria: Ambry Variant Classification Scheme 2023. Collection method: clinical testing. Allele origin: germline.

Labcorp Genetics (formerly Invitae), Labcorp
Classification: Uncertain significance. Last evaluated: 2023-08-08. Review status: criteria provided, single submitter. Criteria: Invitae Variant Classification Sherloc (09022015). Collection method: clinical testing. Allele origin: germline.
Comment: This variant is present in population databases (no rsID available, gnomAD 0.001%). This sequence change replaces proline, which is neutral and non-polar, with histidine, which is basic and polar, at codon 6 of the TNK2 protein (p.Pro6His). This variant has not been reported in the literature in individuals affected with TNK2-related conditions. In summary, the available evidence is currently insufficient to determine the role of this variant in disease. Therefore, it has been classified as a Variant of Uncertain Significance. An algorithm developed to predict the effect of missense changes on protein structure and function (PolyPhen-2) suggests that this variant is likely to be disruptive.